The following is an entry in ClinVar:

NM_000170.3(GLDC):c.719C>A (p.Thr240Asn)

Gene: GLDC (glycine decarboxylase; minus strand). Cytogenetic location: 9p24.1.
Variant type: single nucleotide variant.
Coding change: c.719C>A on transcript NM_000170.3 (MANE Select); coding-DNA position 719, C replaced by A.
Protein change: p.Thr240Asn; replaces threonine 240 with asparagine.
Molecular consequence: missense variant.
Genome position (GRCh38, 1-based): chr9:6,605,273, G>T on the plus strand (C>A on the coding strand, the complement: GLDC is on the minus strand). VCF-style: chr9-6605273-G-T. GRCh37 (hg19) VCF-style: chr9-6605273-G-T.
Other names: short protein forms T240N.
Identifiers: ClinVar variation 2148567 (VCV002148567.1), dbSNP rs1563857096, ClinGen allele CA372896812.

ClinVar aggregate classification (germline): Uncertain significance (1 of 4 stars; one submission).

Conditions:
Glycine encephalopathy. Also called: Non-ketotic hyperglycinemia; Nonketotic hyperglycinemia. Identifiers: Orphanet 407, MedGen C0751748, MONDO:0011612, HP:0008288.

gnomAD v4.1: 2 of 1,613,794 alleles (0.00012%); highest among the groups gnomAD compares: Non-Finnish European, 0.00017%; no homozygotes.

Submission:

Labcorp Genetics (formerly Invitae), Labcorp
Classification: Uncertain significance for Glycine encephalopathy. Last evaluated: 2022-06-08. Review status: criteria provided, single submitter. Criteria: Invitae Variant Classification Sherloc (09022015). Collection method: clinical testing. Allele origin: germline.
Comment: This sequence change replaces threonine, which is neutral and polar, with asparagine, which is neutral and polar, at codon 240 of the GLDC protein (p.Thr240Asn). This variant is present in population databases (no rsID available, gnomAD 0.0009%). This variant has not been reported in the literature in individuals affected with GLDC-related conditions. Advanced modeling of protein sequence and biophysical properties (such as structural, functional, and spatial information, amino acid conservation, physicochemical variation, residue mobility, and thermodynamic stability) performed at Invitae indicates that this missense variant is not expected to disrupt GLDC protein function. In summary, the available evidence is currently insufficient to determine the role of this variant in disease. Therefore, it has been classified as a Variant of Uncertain Significance.